The following is an entry in ClinVar:

NM_000535.7(PMS2):c.669A>G (p.Ile223Met)

Gene: PMS2 (PMS1 homolog 2, mismatch repair system component; minus strand). Cytogenetic location: 7p22.1.
Variant type: single nucleotide variant.
Coding change: c.669A>G on transcript NM_000535.7 (MANE Select); coding-DNA position 669, A replaced by G.
Protein change: p.Ile223Met; replaces isoleucine 223 with methionine.
Molecular consequence: missense variant. On other transcripts: 5 prime UTR variant (2), non-coding transcript variant (1), intron variant (9).
Genome position (GRCh38, 1-based): chr7:5,999,144, T>C on the plus strand (A>G on the coding strand, the complement: PMS2 is on the minus strand). VCF-style: chr7-5999144-T-C. GRCh37 (hg19) VCF-style: chr7-6038775-T-C.
Other names: c.264A>G, p.Ile88Met (NM_001018040.1, NM_001322003.2, NM_001322004.2 and 20 more transcripts); c.669A>G, p.Ile223Met (NM_001322006.2, NM_001322014.2, NM_001406870.1 and 4 more transcripts); c.351A>G, p.Ile117Met (NM_001322007.2, NM_001322008.2, NM_001406876.1 and 4 more transcripts); c.-265A>G (NM_001322011.2, NM_001322012.2); c.360A>G, p.Ile120Met (NM_001322015.2, NM_001406875.1, NM_001406877.1 and 6 more transcripts); c.855A>G, p.Ile285Met (NM_001406866.1); c.693A>G, p.Ile231Met (NM_001406868.1); c.333A>G, p.Ile111Met (NM_001406885.1); and 6 more; short protein forms I223M, I117M, I111M, I120M, I231M, I285M, I88M.
Identifiers: ClinVar variation 2774145 (VCV002774145.2), dbSNP rs2128799778, ClinGen allele CA366743883.

ClinVar aggregate classification (germline): Uncertain significance (1 of 4 stars; one submission).

Conditions:
Hereditary cancer-predisposing syndrome. Also called: Hereditary neoplastic syndrome; Hereditary Cancer Syndrome; Neoplastic Syndromes, Hereditary; Tumor predisposition. Identifiers: Orphanet 140162, MedGen C0027672, MeSH D009386, MONDO:0015356.

Submission:

Color Diagnostics, LLC DBA Color Health
Classification: Uncertain significance for Hereditary cancer-predisposing syndrome. Last evaluated: 2024-03-07. Review status: criteria provided, single submitter. Criteria: ACMG Guidelines, 2015. Collection method: clinical testing. Allele origin: germline.
Comment: This missense variant replaces isoleucine with methionine at codon 223 of the PMS2 protein. Computational prediction suggests that this variant may not impact protein structure and function (internally defined REVEL score threshold <= 0.5, PMID: 27666373). To our knowledge, functional studies have not been reported for this variant. This variant has not been reported in individuals affected with hereditary cancer in the literature. This variant has not been identified in the general population by the Genome Aggregation Database (gnomAD). The available evidence is insufficient to determine the role of this variant in disease conclusively. Therefore, this variant is classified as a Variant of Uncertain Significance.